The following is an entry in ClinVar:

NM_001384732.1(CPLANE1):c.2182C>G (p.Pro728Ala)

Gene: CPLANE1 (ciliogenesis and planar polarity effector complex subunit 1; minus strand). Cytogenetic location: 5p13.2.
Variant type: single nucleotide variant.
Coding change: c.2182C>G on transcript NM_001384732.1 (MANE Select); coding-DNA position 2182, C replaced by G.
Protein change: p.Pro728Ala; replaces proline 728 with alanine.
Molecular consequence: missense variant.
Genome position (GRCh38, 1-based): chr5:37,226,413, G>C on the plus strand (C>G on the coding strand, the complement: CPLANE1 is on the minus strand). VCF-style: chr5-37226413-G-C. GRCh37 (hg19) VCF-style: chr5-37226515-G-C.
Other names: c.2182C>G, p.Pro728Ala (NM_023073.4); short protein forms P728A.
Identifiers: ClinVar variation 434553 (VCV000434553.13), dbSNP rs1467926733, ClinGen allele CA359495430.

ClinVar aggregate classification (germline): Uncertain significance. Review status: criteria provided, multiple submitters, no conflicts (2 of 4 stars). 3 submissions from 3 submitters: Uncertain significance (3). Last evaluated 2026-09-01.

Conditions:
Inborn genetic diseases. Identifiers: MedGen C0950123, MeSH D030342.

Allele frequency attached by ClinVar (database versions not stated): TOPMed below 0.00001; gnomAD 0.00001; gnomAD exomes 0.00001.
gnomAD v4.1: 17 of 1,550,168 alleles (0.0011%); highest among the groups gnomAD compares: Non-Finnish European, 0.0015%; no homozygotes.

Submissions (3):

Ambry Genetics
Classification: Uncertain significance for Inborn genetic diseases. Last evaluated: 2026-09-01. Review status: criteria provided, single submitter. Criteria: Ambry Variant Classification Scheme 2023. Collection method: clinical testing. Allele origin: germline.

Labcorp Genetics (formerly Invitae), Labcorp
Classification: Uncertain significance. Last evaluated: 2021-07-12. Review status: criteria provided, single submitter. Criteria: Invitae Variant Classification Sherloc (09022015). Collection method: clinical testing. Allele origin: germline.
Comment: In summary, the available evidence is currently insufficient to determine the role of this variant in disease. Therefore, it has been classified as a Variant of Uncertain Significance. Algorithms developed to predict the effect of missense changes on protein structure and function are either unavailable or do not agree on the potential impact of this missense change (SIFT: "Deleterious"; PolyPhen-2: "Possibly Damaging"; Align-GVGD: "Class C0"). ClinVar contains an entry for this variant (Variation ID: 434553). This variant has not been reported in the literature in individuals affected with CPLANE1-related conditions. This variant is not present in population databases (ExAC no frequency). This sequence change replaces proline with alanine at codon 728 of the CPLANE1 protein (p.Pro728Ala). The proline residue is weakly conserved and there is a small physicochemical difference between proline and alanine.

Genetic Services Laboratory, University of Chicago
Classification: Uncertain significance. Last evaluated: 2016-08-23. Review status: criteria provided, single submitter. Criteria: ACMG Guidelines, 2015. Collection method: clinical testing. Allele origin: germline. Affected: no.